The following is an entry in ClinVar:

ClinVar aggregate classification (germline): Pathogenic (1 of 4 stars; one submission).

Conditions:
Hereditary hemorrhagic telangiectasia (HHT). Also called: ORW DISEASE; Osler Weber Rendu syndrome; OSLER-RENDU-WEBER DISEASE; Osler hemorrhagic telangiectasia syndrome. Identifiers: Orphanet 774, MedGen C0039445, MONDO:0019180. Disease mechanism: loss of function.

Submission:

Labcorp Genetics (formerly Invitae), Labcorp
Classification: Pathogenic for Hereditary hemorrhagic telangiectasia. Last evaluated: 2022-01-28. Review status: criteria provided, single submitter. Criteria: Invitae Variant Classification Sherloc (09022015). Collection method: clinical testing. Allele origin: germline.
Comment: This variant has not been reported in the literature in individuals affected with ENG-related conditions. This variant is not present in population databases (gnomAD no frequency). For these reasons, this variant has been classified as Pathogenic. This sequence change creates a premature translational stop signal (p.Leu325Profs*9) in the ENG gene. It is expected to result in an absent or disrupted protein product. Loss-of-function variants in ENG are known to be pathogenic (PMID: 15879500).

Literature cited by the submitters: PubMed 15879500.

NM_001114753.3(ENG):c.973dup (p.Leu325fs)

Gene: ENG (endoglin; minus strand). Cytogenetic location: 9q34.11.
Variant type: Duplication.
Coding change: c.973dup on transcript NM_001114753.3 (MANE Select); coding-DNA position 973, one base duplicated (C; older notation c.973dupC).
Protein change: p.Leu325fs; shifts the reading frame from leucine 325.
Molecular consequence: frameshift variant.
Genome position (GRCh38, 1-based): chr9:127,824,818, G duplicated on the plus strand (C on the coding strand, the reverse complement: ENG is on the minus strand). VCF-style (leftmost placement, unchanged base first): chr9-127824817-A-AG. GRCh37 (hg19) VCF-style: chr9-130587096-A-AG.
Other names: c.973dup, p.Leu325Profs (NM_000118.4, NM_001406715.1); c.427dup, p.Leu143fs (NM_001278138.2); short protein forms L325fs, L143fs.
Identifiers: ClinVar variation 2090587 (VCV002090587.4), dbSNP rs2539072683, ClinGen allele CA2580079632.